The following is an entry in ClinVar:

NM_020401.4(NUP107):c.552+52A>G

Gene: NUP107 (nucleoporin 107; plus strand). Cytogenetic location: 12q15.
Variant type: single nucleotide variant.
Coding change: c.552+52A>G on transcript NM_020401.4 (MANE Select); 52 bases into the intron after coding-DNA position 552, A replaced by G.
Molecular consequence: intron variant.
Genome position (GRCh38, 1-based): chr12:68,696,974, A>G. VCF-style: chr12-68696974-A-G. GRCh37 (hg19) VCF-style: chr12-69090754-A-G.
Other names: c.465+52A>G (NM_001330192.2).
Identifiers: ClinVar variation 1253550 (VCV001253550.5), dbSNP rs2701088, ClinGen allele CA6677479.

ClinVar aggregate classification (germline): Benign. Review status: criteria provided, multiple submitters, no conflicts (2 of 4 stars). 3 submissions from 3 submitters: Benign (3). Last evaluated 2024-07-15.

Allele frequency attached by ClinVar (database versions not stated): ESP Exome Variant Server 0.20833; gnomAD 0.21469 and 0.21848; TOPMed 0.21569; 1000 Genomes Project 30x 0.22455; 1000 Genomes Project 0.22863; ExAC 0.26191; gnomAD exomes 0.26307.
gnomAD v4.1: 302,571 of 1,130,798 alleles (27%); highest among the groups gnomAD compares: Middle Eastern, 30%; 41,512 homozygotes.

Submissions (3):

Unidad de Genómica Garrahan, Hospital de Pediatría Garrahan
Classification: Benign. Last evaluated: 2024-07-15. Review status: criteria provided, single submitter. Criteria: ACMG Guidelines, 2015. Collection method: clinical testing. Allele origin: germline. Affected: no. Observed: 38 variant alleles.
Comment: This variant is classified as Benign based on local population frequency. This variant was detected in 41% of patients studied in a panel designed for Epileptic and Developmental Encephalopathy and Progressive Myoclonus Epilepsy. Number of patients: 38. Only high quality variants are reported.

GeneDx
Classification: Benign. Last evaluated: 2019-10-25. Review status: criteria provided, single submitter. Criteria: GeneDx Variant Classification Process June 2021. Collection method: clinical testing. Allele origin: germline. Affected: yes.

Breakthrough Genomics
Classification: Benign. Review status: criteria provided, single submitter. Criteria: ACMG Guidelines, 2015. Collection method: not provided. Allele origin: germline. Inheritance: Autosomal recessive inheritance. Affected: yes.